The following is an entry in ClinVar:

ClinVar aggregate classification (germline): Uncertain significance (1 of 4 stars; one submission).

Conditions:
Cardiomyopathy, dilated, 2I (CMD2I). Identifiers: MedGen C5830685, MONDO:0957545, OMIM 620462.

Allele frequency attached by ClinVar (database versions not stated): ESP Exome Variant Server 0.00008; 1000 Genomes Project 30x 0.00016; 1000 Genomes Project 0.00020; ExAC 0.00030.
gnomAD v4.1: 338 of 1,614,072 alleles (0.021%); highest among the groups gnomAD compares: Non-Finnish European, 0.009%; no homozygotes.

Submission:

Clinical Genomics Laboratory, Stanford Medicine
Classification: Uncertain significance for Cardiomyopathy, dilated, 2I. Last evaluated: 2021-06-07. Review status: criteria provided, single submitter. Criteria: ACMG Guidelines, 2015. Collection method: clinical testing. Allele origin: germline. Affected: yes. Observed: 1 heterozygote.
Comment: The p.Arg13Gln variant in the CAP2 gene has not been previously reported in association with disease. This variant has been identified in 82/25,122 Finnish chromosomes (110/282,866 chromosomes overall) by the Genome Aggregation Database. Although this variant has been seen in the general population, it has not been observed at a frequency high enough to rule out pathogenicity. The arginine at position 13 is not evolutionarily conserved and several mammalian species have a glutamine at this position. Computational tools predict that the p.Arg13Gln does not impact protein function; however, the accuracy of in silico algorithms is limited. These data were assessed using the ACMG/AMP variant interpretation guidelines. In summary, the significance of the p.Arg13Gln variant is uncertain. Additional information is needed to resolve the significance of this variant. [ACMG evidence codes used: BP4]

NM_006366.3(CAP2):c.38G>A (p.Arg13Gln)

Gene: CAP2 (cyclase associated actin cytoskeleton regulatory protein 2; plus strand). Cytogenetic location: 6p22.3.
Variant type: single nucleotide variant.
Coding change: c.38G>A on transcript NM_006366.3 (MANE Select); coding-DNA position 38, G replaced by A.
Protein change: p.Arg13Gln; replaces arginine 13 with glutamine.
Molecular consequence: missense variant.
Genome position (GRCh38, 1-based): chr6:17,421,593, G>A. VCF-style: chr6-17421593-G-A. GRCh37 (hg19) VCF-style: chr6-17421824-G-A.
Other names: p.Arg13Gln; c.38G>A, p.Arg13Gln (NM_001363533.2, NM_001363534.2); short protein forms R13Q.
Identifiers: ClinVar variation 3064269 (VCV003064269.1), dbSNP rs201044058, ClinGen allele CA3646098.